The following is an entry in ClinVar:

ClinVar aggregate classification (germline): Likely benign (1 of 4 stars; one submission).

Conditions:
Aicardi-Goutieres syndrome 7 (AGS7). Identifiers: Orphanet 51, MedGen C3888244, MONDO:0014367, OMIM 615846.
Singleton-Merten syndrome 1 (SGMRT1). Also called: Widened medullary cavities of bone, aortic calcification, abnormal dentition, and muscular weakness; Syndrome of widened medullary cavities of the metacarpals and phalanges, aortic calcification and abnormal dentition. Identifiers: Orphanet 85191, MedGen C4225427, MONDO:0024535, OMIM 182250.

Allele frequency attached by ClinVar (database versions not stated): 1000 Genomes Project 0.00020; 1000 Genomes Project 30x 0.00016.
gnomAD v4.1: 17 of 1,613,676 alleles (0.0011%); highest among the groups gnomAD compares: East Asian, 0.0067%; no homozygotes.

Submission:

Labcorp Genetics (formerly Invitae), Labcorp
Classification: Likely benign for Aicardi-Goutieres syndrome 7; Singleton-Merten syndrome 1. Last evaluated: 2025-08-08. Review status: criteria provided, single submitter. Criteria: Invitae Variant Classification Sherloc (09022015). Collection method: clinical testing. Allele origin: germline.

NM_022168.4(IFIH1):c.557G>A (p.Arg186His)

Gene: IFIH1 (interferon induced with helicase C domain 1; minus strand). Cytogenetic location: 2q24.2.
Variant type: single nucleotide variant.
Coding change: c.557G>A on transcript NM_022168.4 (MANE Select); coding-DNA position 557, G replaced by A.
Protein change: p.Arg186His; replaces arginine 186 with histidine.
Molecular consequence: missense variant.
Genome position (GRCh38, 1-based): chr2:162,310,830, C>T on the plus strand (G>A on the coding strand, the complement: IFIH1 is on the minus strand). VCF-style: chr2-162310830-C-T. GRCh37 (hg19) VCF-style: chr2-163167340-C-T.
Other names: c.557G>A (NM_022168.3); short protein forms R186H.
Identifiers: ClinVar variation 1594291 (VCV001594291.10), dbSNP rs189443152, ClinGen allele CA1934780.